The following is an entry in ClinVar:

NM_001481.3(DRC4):c.1082G>C (p.Gly361Ala)

Gene: DRC4 (dynein regulatory complex subunit 4; plus strand). Cytogenetic location: 16q24.3.
Variant type: single nucleotide variant.
Coding change: c.1082G>C on transcript NM_001481.3 (MANE Select); coding-DNA position 1082, G replaced by C.
Protein change: p.Gly361Ala; replaces glycine 361 with alanine.
Molecular consequence: missense variant. On other transcripts: non-coding transcript variant (1).
Genome position (GRCh38, 1-based): chr16:90,040,370, G>C. VCF-style: chr16-90040370-G-C. GRCh37 (hg19) VCF-style: chr16-90106778-G-C.
Other names: c.833G>C, p.Gly278Ala (NM_001286205.2); c.506G>C, p.Gly169Ala (NM_001286208.2); c.1007G>C, p.Gly336Ala (NM_001286209.2); short protein forms G336A, G278A, G361A, G169A.
Identifiers: ClinVar variation 1985885 (VCV001985885.4), dbSNP rs1291436487, ClinGen allele CA397470216.

ClinVar aggregate classification (germline): Uncertain significance (1 of 4 stars; one submission).

Conditions:
Primary ciliary dyskinesia 33. Also called: CILIARY DYSKINESIA, PRIMARY, 33, WITHOUT SITUS INVERSUS. Identifiers: Orphanet 244, MedGen C4225230, MONDO:0014750, OMIM 616726.

Allele frequency attached by ClinVar (database versions not stated): TOPMed below 0.00001; gnomAD exomes 0.00001.

Submission:

Labcorp Genetics (formerly Invitae), Labcorp
Classification: Uncertain significance for Primary ciliary dyskinesia 33. Last evaluated: 2024-11-11. Review status: criteria provided, single submitter. Criteria: Invitae Variant Classification Sherloc (09022015). Collection method: clinical testing. Allele origin: germline.
Comment: This sequence change replaces glycine, which is neutral and non-polar, with alanine, which is neutral and non-polar, at codon 361 of the GAS8 protein (p.Gly361Ala). The frequency data for this variant in the population databases is considered unreliable, as metrics indicate poor data quality at this position in the gnomAD database. This variant has not been reported in the literature in individuals affected with GAS8-related conditions. ClinVar contains an entry for this variant (Variation ID: 1985885). Invitae Evidence Modeling of protein sequence and biophysical properties (such as structural, functional, and spatial information, amino acid conservation, physicochemical variation, residue mobility, and thermodynamic stability) indicates that this missense variant is not expected to disrupt GAS8 protein function with a negative predictive value of 80%. In summary, the available evidence is currently insufficient to determine the role of this variant in disease. Therefore, it has been classified as a Variant of Uncertain Significance.